The following is an entry in ClinVar:

NM_194248.3(OTOF):c.2153G>A (p.Trp718Ter)

Gene: OTOF (otoferlin; minus strand). Cytogenetic location: 2p23.3.
Variant type: single nucleotide variant.
Coding change: c.2153G>A on transcript NM_194248.3 (MANE Select); coding-DNA position 2153, G replaced by A.
Protein change: p.Trp718Ter; replaces tryptophan 718 with a stop codon.
Molecular consequence: nonsense.
Genome position (GRCh38, 1-based): chr2:26,479,325, C>T on the plus strand (G>A on the coding strand, the complement: OTOF is on the minus strand). VCF-style: chr2-26479325-C-T. GRCh37 (hg19) VCF-style: chr2-26702193-C-T.
Other names: c.2153G>A, p.Trp718Ter (NM_001287489.2); short protein forms W718*.
Identifiers: ClinVar variation 48187 (VCV000048187.21), dbSNP rs111033383, ClinGen allele CA262042.

ClinVar aggregate classification (germline): Pathogenic. Review status: criteria provided, multiple submitters, no conflicts (2 of 4 stars). 7 submissions from 7 submitters: Pathogenic (7). Last evaluated 2026-09-11.

Conditions:
Rare genetic deafness. Identifiers: Orphanet 96210, MedGen C5680250.
OTOF-related disorder. Also called: OTOF-related condition.
Autosomal recessive nonsyndromic hearing loss 9. Also called: AUDITORY NEUROPATHY, AUTOSOMAL RECESSIVE, 1, TEMPERATURE-SENSITIVE; Deafness, autosomal recessive 9; OTOF-Related Hearing Loss; NEUROSENSORY NONSYNDROMIC RECESSIVE DEAFNESS 9. Identifiers: Orphanet 90636, MedGen C1832828, MONDO:0010986, OMIM 601071.
Bilateral sensorineural hearing impairment. Also called: Bilateral sensorineural hearing loss. Identifiers: MedGen C0452138, HP:0008619.

Allele frequency attached by ClinVar (database versions not stated): gnomAD exomes 0.00001 and 0.00002; ExAC 0.00004; ESP Exome Variant Server 0.00008; gnomAD 0.00011 and 0.00012; TOPMed 0.00015.
gnomAD v4.1: 31 of 1,612,554 alleles (0.0019%); highest among the groups gnomAD compares: African/African-American, 0.04%; no homozygotes.

Submissions (7):

GeneDx
Classification: Pathogenic. Last evaluated: 2026-09-11. Review status: criteria provided, single submitter. Criteria: GeneDx Variant Classification Process June 2021. Collection method: clinical testing. Allele origin: germline.
Comment: Nonsense variant predicted to result in protein truncation or nonsense mediated decay in a gene for which loss of function is a known mechanism of disease; This variant is associated with the following publications: (PMID: 34652575, 19461658, 36147510, 36938085, 34599368, 42233699, 42279121)

PreventionGenetics, part of Exact Sciences
Classification: Pathogenic for OTOF-related condition. Last evaluated: 2026-06-01. Review status: criteria provided, single submitter. Criteria: ACMG Guidelines, 2015. Collection method: clinical testing. Allele origin: germline.
Comment: The OTOF c.2153G>A variant is predicted to result in premature protein termination (p.Trp718*). This variant was reported in the compound heterozygous state along with a second potentially causative variant in a patient with auditory neuropathy (Table S3, Batissoco. 2022. PubMed ID: 34599368). This variant is reported in 0.037% of alleles in individuals of African descent in gnomAD. Nonsense variants in OTOF are expected to be pathogenic. This variant is interpreted as pathogenic.

Laboratory of Molecular, Cellular and Translation Genetics in Otolaryngology/ Lim32-hcfmusp, University of Sao Paulo School of Medicine Clinics Hospital
Classification: Pathogenic for Autosomal recessive nonsyndromic hearing loss 9. Last evaluated: 2026-04-30. Review status: criteria provided, single submitter. Criteria: ClinGen HL ACMG Specifications v1. Collection method: research. Allele origin: germline. Affected: yes.
Comment: NM_194248.3:c.2153G>A:p.(Trp718*). This variant has been classified as pathogenic. It is a nonsense (loss-of-function) variant in OTOF, a gene in which loss of function is an established disease mechanism (PVS1). It is rare in population databases (PM2_supporting). The variant has been repeatedly reported in trans with other pathogenic OTOF variants in individuals with autosomal recessive prelingual, nonsyndromic hearing loss (PM3). Overall, these findings support the causative role of this variant in the proband, consistent with autosomal recessive deafness 9 (DFNB9).

Labcorp Genetics (formerly Invitae), Labcorp
Classification: Pathogenic. Last evaluated: 2026-01-12. Review status: criteria provided, single submitter. Criteria: Invitae Variant Classification Sherloc (09022015). Collection method: clinical testing. Allele origin: germline.
Comment: This sequence change creates a premature translational stop signal (p.Trp718*) in the OTOF gene. It is expected to result in an absent or disrupted protein product. Loss-of-function variants in OTOF are known to be pathogenic (PMID: 18381613, 19250381, 22575033). This variant is present in population databases (rs111033383, gnomAD 0.04%). This premature translational stop signal has been observed in individual(s) with deafness (PMID: 34599368). ClinVar contains an entry for this variant (Variation ID: 48187). For these reasons, this variant has been classified as Pathogenic.

Laboratorio de Genetica e Diagnostico Molecular, Hospital Israelita Albert Einstein
Classification: Pathogenic for Autosomal recessive nonsyndromic hearing loss 9. Last evaluated: 2022-10-21. Review status: criteria provided, single submitter. Criteria: ACMG Guidelines, 2015. Collection method: clinical testing. Allele origin: germline. Affected: yes.
Comment: ACMG classification criteria: PVS1 very strong, PM2 supporting, PM3 supporting

Laboratory for Molecular Medicine, Mass General Brigham Personalized Medicine
Classification: Pathogenic for Rare genetic deafness. Last evaluated: 2012-10-17. Review status: criteria provided, single submitter. Criteria: LMM Criteria. Collection method: clinical testing. Allele origin: germline. Inheritance: Autosomal recessive inheritance. Observed: 3 variant alleles.
Comment: This nonsense variant leads to a premature termination codon at position 718, which is predicted to lead to a truncated or absent protein. In summary, this variant meets our criteria to be classified as pathogenic (M).

Laboratory of Human Genetics, Institute of Biosciences - University of Sao Paulo
Classification: Pathogenic for Bilateral sensorineural hearing impairment. Review status: criteria provided, single submitter. Criteria: ClinGen HL ACMG Specifications v1. Collection method: research. Allele origin: germline. Affected: yes. Observed: 1 compound heterozygote. Segregation with disease observed.

Literature cited by the submitters: PubMed 34599368 (cited by Laboratory of Molecular, Cellular and Translation Genetics in Otolaryngology/ Lim32-hcfmusp, University of Sao Paulo School of Medicine Clinics Hospital and Labcorp Genetics (formerly Invitae), Labcorp); PubMed 42233699 (cited by Laboratory of Molecular, Cellular and Translation Genetics in Otolaryngology/ Lim32-hcfmusp, University of Sao Paulo School of Medicine Clinics Hospital); PubMed 18381613 (cited by Labcorp Genetics (formerly Invitae), Labcorp); PubMed 19250381 (cited by Labcorp Genetics (formerly Invitae), Labcorp); PubMed 22575033 (cited by Labcorp Genetics (formerly Invitae), Labcorp); PubMed 34652575 (cited by Laboratory of Human Genetics, Institute of Biosciences - University of Sao Paulo); PubMed 19461658 (cited by Laboratory of Human Genetics, Institute of Biosciences - University of Sao Paulo).